The following is an entry in ClinVar:

NM_004208.4(AIFM1):c.710A>T (p.Asp237Val)

Genes: AIFM1 (apoptosis inducing factor mitochondria associated 1; minus strand), RAB33A (RAB33A, member RAS oncogene family; plus strand). Cytogenetic location: Xq26.1.
Variant type: single nucleotide variant.
Coding change: c.710A>T on transcript NM_004208.4 (MANE Select); coding-DNA position 710, A replaced by T.
Protein change: p.Asp237Val; replaces aspartic acid 237 with valine.
Molecular consequence: missense variant. On other transcripts: non-coding transcript variant (1).
Genome position (GRCh38, 1-based): chrX:130,140,604, T>A on the plus strand (A>T on the coding strand, the complement: AIFM1 is on the minus strand). VCF-style: chrX-130140604-T-A. GRCh37 (hg19) VCF-style: chrX-129274579-T-A.
Other names: c.710A>T, p.Asp237Val (NM_001130847.4); c.698A>T, p.Asp233Val (NM_145812.3); short protein forms D237V, D233V.
Identifiers: ClinVar variation 449839 (VCV000449839.2), dbSNP rs1202786652, ClinGen allele CA414583508.
Genomic context (GRCh38, chrX:130,140,604, plus strand): 5'-AAGCACTTTTCATAGGTTATTTGAGAGCCATCATTAAGTTTCACCATGTTGTCTCTCACA[T>A]CCAGCTGTACTACCTGGTACAGTCACACACATACACAAAAGAGGTAGAGATGAATTAGCA-3'
Protein context (NP_004199.1, residues 227-247): VLTGKKVVQL[Asp237Val]VRDNMVKLND

ClinVar aggregate classification (germline): Likely pathogenic (1 of 4 stars; one submission).

Submission:

GeneDx
Classification: Likely pathogenic. Last evaluated: 2017-09-26. Review status: criteria provided, single submitter. Criteria: GeneDx Variant Classification (06012015). Collection method: clinical testing. Allele origin: germline. Affected: yes.
Comment: The D237V variant in the AIFM1 gene has been reported previously in two unrelated families segregating an X-linked form of hypomyelinating leukodystrophy and spondylometaphyseal dysplasia (H-SMD) (Miyake et al., 2017). In addition, a different missense variant at this residue (D237G) has been reported in two unrelated families with slowly progressive neurodegeneration, dysmorphic features, spondiloepimetaphyseal dysplasia and hypomyelination (Mierzewska et al., 2017). The D237V variant is not observed in large population cohorts (Lek et al., 2016). The D237V variant is a non-conservative amino acid substitution, which is likely to impact secondary protein structure as these residues differ in polarity, charge, size and/or other properties. This substitution occurs at a position that is conserved across species. In silico analysis predicts this variant is probably damaging to the protein structure/function. We interpret D237V variant as a likely pathogenic variant.